The following is an entry in ClinVar:

ClinVar aggregate classification (germline): Pathogenic (1 of 4 stars; one submission).

Submission:

Labcorp Genetics (formerly Invitae), Labcorp
Classification: Pathogenic. Last evaluated: 2023-09-29. Review status: criteria provided, single submitter. Criteria: Invitae Variant Classification Sherloc (09022015). Collection method: clinical testing. Allele origin: germline.
Comment: This sequence change creates a premature translational stop signal (p.Tyr134*) in the STAR gene. It is expected to result in an absent or disrupted protein product. Loss-of-function variants in STAR are known to be pathogenic (PMID: 8948562). For these reasons, this variant has been classified as Pathogenic. This variant has not been reported in the literature in individuals affected with STAR-related conditions. This variant is not present in population databases (gnomAD no frequency).

Literature cited by the submitters: PubMed 8948562.

NM_000349.3(STAR):c.402T>A (p.Tyr134Ter)

Gene: STAR (steroidogenic acute regulatory protein; minus strand). Cytogenetic location: 8p11.23.
Variant type: single nucleotide variant.
Coding change: c.402T>A on transcript NM_000349.3 (MANE Select); coding-DNA position 402, T replaced by A.
Protein change: p.Tyr134Ter; replaces tyrosine 134 with a stop codon.
Molecular consequence: nonsense.
Genome position (GRCh38, 1-based): chr8:38,146,352, A>T on the plus strand (T>A on the coding strand, the complement: STAR is on the minus strand). VCF-style: chr8-38146352-A-T. GRCh37 (hg19) VCF-style: chr8-38003870-A-T.
Other names: short protein forms Y134*.
Identifiers: ClinVar variation 2782096 (VCV002782096.3), dbSNP rs144881901, ClinGen allele CA370700528.